The following is an entry in ClinVar:

ClinVar aggregate classification (germline): Uncertain significance (1 of 4 stars; one submission).

gnomAD v4.1: 5 of 1,568,622 alleles (0.00032%); highest among the groups gnomAD compares: South Asian, 0.0012%; no homozygotes.

Submission:

Labcorp Genetics (formerly Invitae), Labcorp
Classification: Uncertain significance. Last evaluated: 2024-06-26. Review status: criteria provided, single submitter. Criteria: Invitae Variant Classification Sherloc (09022015). Collection method: clinical testing. Allele origin: germline.
Comment: This sequence change replaces serine, which is neutral and polar, with threonine, which is neutral and polar, at codon 490 of the ACAN protein (p.Ser490Thr). This variant is not present in population databases (gnomAD no frequency). This variant has not been reported in the literature in individuals affected with ACAN-related conditions. Advanced modeling of protein sequence and biophysical properties (such as structural, functional, and spatial information, amino acid conservation, physicochemical variation, residue mobility, and thermodynamic stability) performed at Invitae indicates that this missense variant is not expected to disrupt ACAN protein function with a negative predictive value of 80%. In summary, the available evidence is currently insufficient to determine the role of this variant in disease. Therefore, it has been classified as a Variant of Uncertain Significance.

NM_001369268.1(ACAN):c.1468T>A (p.Ser490Thr)

Gene: ACAN (aggrecan; plus strand). Cytogenetic location: 15q26.1.
Variant type: single nucleotide variant.
Coding change: c.1468T>A on transcript NM_001369268.1 (MANE Select); coding-DNA position 1468, T replaced by A.
Protein change: p.Ser490Thr; replaces serine 490 with threonine.
Molecular consequence: missense variant.
Genome position (GRCh38, 1-based): chr15:88,847,281, T>A. VCF-style: chr15-88847281-T-A. GRCh37 (hg19) VCF-style: chr15-89390512-T-A.
Other names: c.1468T>A, p.Ser490Thr (NM_001135.4, NM_001411096.1, NM_001411097.1 and 1 more transcripts); short protein forms S490T.
Identifiers: ClinVar variation 3614687 (VCV003614687.2).